The following is an entry in ClinVar:

NM_001122630.2(CDKN1C):c.367G>C (p.Glu123Gln)

Gene: CDKN1C (cyclin dependent kinase inhibitor 1C; minus strand). Cytogenetic location: 11p15.4.
Variant type: single nucleotide variant.
Coding change: c.367G>C on transcript NM_001122630.2 (MANE Select); coding-DNA position 367, G replaced by C.
Protein change: p.Glu123Gln; replaces glutamic acid 123 with glutamine.
Molecular consequence: missense variant. On other transcripts: intron variant (1).
Genome position (GRCh38, 1-based): chr11:2,885,090, C>G on the plus strand (G>C on the coding strand, the complement: CDKN1C is on the minus strand). VCF-style: chr11-2885090-C-G. GRCh37 (hg19) VCF-style: chr11-2906320-C-G.
Other names: c.400G>C, p.Glu134Gln (LRG_533t1, NM_000076.2, NM_001362474.2); c.367G>C, p.Glu123Gln (NM_001122631.2); c.255+112G>C (NM_001362475.2); short protein forms E134Q, E123Q.
Identifiers: ClinVar variation 404247 (VCV000404247.14), dbSNP rs1013695050, ClinGen allele CA16613553.

ClinVar aggregate classification (germline): Uncertain significance. Review status: criteria provided, multiple submitters, no conflicts (2 of 4 stars). 4 submissions from 4 submitters: Uncertain significance (4). Last evaluated 2025-12-03.

Conditions:
Inborn genetic diseases. Identifiers: MedGen C0950123, MeSH D030342.
Beckwith-Wiedemann syndrome (BWS). Also called: EMG SYNDROME; Exomphalos macroglossia gigantism syndrome. Identifiers: Orphanet 116, MedGen C0004903, MONDO:0007534, OMIM 130650.

Allele frequency attached by ClinVar (database versions not stated): gnomAD 0.00016 and 0.00019; TOPMed 0.00018.

Submissions (4):

Labcorp Genetics (formerly Invitae), Labcorp
Classification: Uncertain significance for Beckwith-Wiedemann syndrome. Last evaluated: 2025-12-03. Review status: criteria provided, single submitter. Criteria: Invitae Variant Classification Sherloc (09022015). Collection method: clinical testing. Allele origin: germline.
Comment: This sequence change replaces glutamic acid, which is acidic and polar, with glutamine, which is neutral and polar, at codon 134 of the CDKN1C protein (p.Glu134Gln). This variant is present in population databases (no rsID available, gnomAD 0.05%). This variant has not been reported in the literature in individuals affected with CDKN1C-related conditions. ClinVar contains an entry for this variant (Variation ID: 404247). Invitae Evidence Modeling of protein sequence and biophysical properties (such as structural, functional, and spatial information, amino acid conservation, physicochemical variation, residue mobility, and thermodynamic stability) indicates that this missense variant is not expected to disrupt CDKN1C protein function with a negative predictive value of 80%. In summary, the available evidence is currently insufficient to determine the role of this variant in disease. Therefore, it has been classified as a Variant of Uncertain Significance.

Ambry Genetics
Classification: Uncertain significance for Inborn genetic diseases. Last evaluated: 2025-02-08. Review status: criteria provided, single submitter. Criteria: Ambry Variant Classification Scheme 2023. Collection method: clinical testing. Allele origin: germline.

Revvity Omics, Revvity
Classification: Uncertain significance. Last evaluated: 2023-07-12. Review status: criteria provided, single submitter. Criteria: ACMG Guidelines, 2015. Collection method: clinical testing. Allele origin: germline.

Sema4
Classification: Uncertain significance for Beckwith-Wiedemann syndrome. Last evaluated: 2021-10-13. Review status: criteria provided, single submitter. Criteria: Sema4 Curation Guidelines. Collection method: curation. Allele origin: germline.
Comment: The CDKN1C c.400G>C (p.E134Q) variant has not been reported in the literature to our knowledge. It was observed in 4/8640 chromosomes of the African/African American subpopulation in the large and broad cohorts of the Genome Aggregation Database (PMID: 32461654). The variant has been reported in ClinVar (Variation ID: 404247). Functional studies have not been performed, and in silico predictions of the variant's effect on protein function are inconclusive. The evidence is insufficient to meet ACMG/AMP criteria for classifying the variant as benign or pathogenic. Thus, the clinical significance of this variant is currently uncertain.